The following is an entry in ClinVar:

ClinVar aggregate classification (germline): Pathogenic (1 of 4 stars; one submission).

Conditions:
Mucopolysaccharidosis, MPS-II (MPS2). Also called: Attenuated MPS (subtype; formerly known as mild MPS II); Severe MPS II; I2S deficiency; MPS 2; Hunter Syndrome; IDURONATE 2-SULFATASE DEFICIENCY. Identifiers: Orphanet 580, Orphanet 79388, MedGen C0026705, MONDO:0010674, OMIM 309900.

Submission:

Myriad Genetics, Inc.
Classification: Pathogenic for Mucopolysaccharidosis, MPS-II. Last evaluated: 2023-09-22. Review status: criteria provided, single submitter. Criteria: Myriad Autosomal Dominant, Autosomal Recessive and X-Linked Classification Criteria (2023). Collection method: clinical testing. Allele origin: unknown.
Comment: NM_000202.5(IDS):c.297_301del5ins21(R101Lfs*49) is expected to be pathogenic in the context of mucopolysaccharidosis type II. This variant is predicted to lead to an abnormal or absent protein product due to the creation of a premature termination codon in IDS, a gene where loss-of-function variants are known to be pathogenic. Please note: this variant was assessed in the context of healthy population screening.

NM_000202.8(IDS):c.297_301delinsGACACTCAGCAGCACGACGAT (p.Arg101fs)

Gene: IDS (iduronate 2-sulfatase; minus strand). Cytogenetic location: Xq28.
Variant type: Indel.
Coding change: c.297_301delinsGACACTCAGCAGCACGACGAT on transcript NM_000202.8 (MANE Select); coding-DNA positions 297 to 301, CACCC replaced by GACACTCAGCAGCACGACGAT.
Protein change: p.Arg101fs; shifts the reading frame from arginine 101.
Molecular consequence: frameshift variant. On other transcripts: non-coding transcript variant (1).
Genome position (GRCh38, 1-based): chrX:149,503,429-149,503,433, GGGTG replaced by ATCGTCGTGCTGCTGAGTGTC on the plus strand (CACCC replaced by GACACTCAGCAGCACGACGAT on the coding strand, the reverse complement: IDS is on the minus strand). VCF-style: chrX-149503429-GGGTG-ATCGTCGTGCTGCTGAGTGTC. GRCh37 (hg19) VCF-style: chrX-148584959-GGGTG-ATCGTCGTGCTGCTGAGTGTC.
Other names: c.27_31delinsGACACTCAGCAGCACGACGAT, p.Arg11fs (NM_001166550.4); c.297_301delinsGACACTCAGCAGCACGACGAT, p.Arg101fs (NM_006123.5); short protein forms R101fs, R11fs.
Identifiers: ClinVar variation 5011724 (VCV005011724.1).